The following is an entry in ClinVar:

NM_001386795.1(DTNA):c.352G>A (p.Ala118Thr)

Gene: DTNA (dystrobrevin alpha; plus strand). Cytogenetic location: 18q12.1.
Variant type: single nucleotide variant.
Coding change: c.352G>A on transcript NM_001386795.1 (MANE Select); coding-DNA position 352, G replaced by A.
Protein change: p.Ala118Thr; replaces alanine 118 with threonine.
Molecular consequence: missense variant.
Genome position (GRCh38, 1-based): chr18:34,794,240, G>A. VCF-style: chr18-34794240-G-A. GRCh37 (hg19) VCF-style: chr18-32374204-G-A.
Other names: c.352G>A, p.Ala118Thr (NM_001128175.2, NM_001198938.2, NM_001198939.2 and 35 more transcripts); short protein forms A118T.
Identifiers: ClinVar variation 4741500 (VCV004741500.2).

ClinVar aggregate classification (germline): Uncertain significance. Review status: criteria provided, multiple submitters, no conflicts (2 of 4 stars). 2 submissions from 2 submitters: Uncertain significance (2). Last evaluated 2025-05-26.

Conditions:
Left ventricular noncompaction 1 (LVNC1). Also called: LEFT VENTRICULAR NONCOMPACTION 1 WITH OR WITHOUT CONGENITAL HEART DEFECTS. Identifiers: Orphanet 54260, MedGen C1858725, MONDO:0011403, OMIM 604169.

gnomAD v4.1: 12 of 1,613,974 alleles (0.00074%); highest among the groups gnomAD compares: Non-Finnish European, 0.00085%; no homozygotes.

Submissions (2):

Labcorp Genetics (formerly Invitae), Labcorp
Classification: Uncertain significance for Left ventricular noncompaction 1. Last evaluated: 2025-05-26. Review status: criteria provided, single submitter. Criteria: Invitae Variant Classification Sherloc (09022015). Collection method: clinical testing. Allele origin: germline.
Comment: This sequence change replaces alanine, which is neutral and non-polar, with threonine, which is neutral and polar, at codon 118 of the DTNA protein (p.Ala118Thr). This variant is present in population databases (rs779562839, gnomAD 0.002%). This variant has not been reported in the literature in individuals affected with DTNA-related conditions. Invitae Evidence Modeling of protein sequence and biophysical properties (such as structural, functional, and spatial information, amino acid conservation, physicochemical variation, residue mobility, and thermodynamic stability) indicates that this missense variant is not expected to disrupt DTNA protein function with a negative predictive value of 80%. In summary, the available evidence is currently insufficient to determine the role of this variant in disease. Therefore, it has been classified as a Variant of Uncertain Significance.

Blueprint Genetics
Classification: Uncertain significance. Last evaluated: 2024-01-12. Review status: criteria provided, single submitter. Criteria: ACMG Guidelines, 2015. Collection method: clinical testing. Allele origin: germline.